The following is an entry in ClinVar:

ClinVar aggregate classification (germline): Uncertain significance (1 of 4 stars; one submission).
ClinVar aggregate classification (oncogenicity): Uncertain significance (1 of 4 stars; one submission).

Conditions:
Inborn genetic diseases. Identifiers: MedGen C0950123, MeSH D030342.
Neoplasm. Also called: tumor; Neoplasms; Neoplasm (disease). Identifiers: MedGen C0027651, MeSH D009369, MONDO:0005070, HP:0002664.

Submissions (2):

Ambry Genetics
Classification: Uncertain significance for Inborn genetic diseases. Last evaluated: 2025-12-30. Review status: criteria provided, single submitter. Criteria: Ambry Variant Classification Scheme 2023. Collection method: clinical testing. Allele origin: germline.
Comment: The p.Q7* variant (also known as c.19C>T), located in coding exon 1 of the ETV6 gene, results from a C to T substitution at nucleotide position 19. This changes the amino acid from a glutamine to a stop codon within coding exon 1. This changes the amino acid from an arginine to a stop codon within coding exon 2. The predicted stop codon occurs in the 5&rsquo; end of thegene. Premature termination codons in the 5&rsquo; end of a gene have been reported to escape nonsense-mediated mRNAdecay and/or lead to re-initiation (Rivas et al. Science. 2015 May 8;348(6235):666-9; Lindeboom et al. Nat Genet. 2016 Oct;48(10):1112-8; Rhee et al. Sci Rep. 2017 May 10;7(1):1653). The exact functional effect of this alteration is unknown. Based on the available evidence, the clinical significance of this variant remains unclear.

Center for Genomic Medicine, Rigshospitalet, Copenhagen University Hospital
Classification: Uncertain significance for Neoplasm. Last evaluated: 2025-03-04. Review status: criteria provided, single submitter. Criteria: ClinGen/CGC/VICC Guidelines for Oncogenicity, 2022. Collection method: clinical testing. Allele origin: somatic. Affected: yes.

NM_001987.5(ETV6):c.19C>T (p.Gln7Ter)

Gene: ETV6 (ETS variant transcription factor 6; plus strand). Cytogenetic location: 12p13.2.
Variant type: single nucleotide variant.
Coding change: c.19C>T on transcript NM_001987.5 (MANE Select); coding-DNA position 19, C replaced by T.
Protein change: p.Gln7Ter; replaces glutamine 7 with a stop codon.
Molecular consequence: nonsense. On other transcripts: 5 prime UTR variant (2).
Genome position (GRCh38, 1-based): chr12:11,650,146, C>T. VCF-style: chr12-11650146-C-T. GRCh37 (hg19) VCF-style: chr12-11803080-C-T.
Other names: c.19C>T, p.Gln7Ter (NM_001413913.1, NM_001413916.1, NM_001413917.1 and 1 more transcripts); c.-134C>T (NM_001413914.1); c.-116C>T (NM_001413915.1); short protein forms Q7*.
Identifiers: ClinVar variation 3257955 (VCV003257955.3).